The following is an entry in ClinVar:

ClinVar aggregate classification (germline): Uncertain significance (1 of 4 stars; one submission).

Submission:

Labcorp Genetics (formerly Invitae), Labcorp
Classification: Uncertain significance. Last evaluated: 2025-05-27. Review status: criteria provided, single submitter. Criteria: Invitae Variant Classification Sherloc (09022015). Collection method: clinical testing. Allele origin: germline.
Comment: This sequence change replaces lysine, which is basic and polar, with glutamine, which is neutral and polar, at codon 385 of the IL23R protein (p.Lys385Gln). This variant is not present in population databases (gnomAD no frequency). This variant has not been reported in the literature in individuals affected with IL23R-related conditions. An algorithm developed to predict the effect of missense changes on protein structure and function (PolyPhen-2) suggests that this variant is likely to be disruptive. In summary, the available evidence is currently insufficient to determine the role of this variant in disease. Therefore, it has been classified as a Variant of Uncertain Significance.

NM_144701.3(IL23R):c.1153A>C (p.Lys385Gln)

Gene: IL23R (interleukin 23 receptor; plus strand). Cytogenetic location: 1p31.3.
Variant type: single nucleotide variant.
Coding change: c.1153A>C on transcript NM_144701.3 (MANE Select); coding-DNA position 1153, A replaced by C.
Protein change: p.Lys385Gln; replaces lysine 385 with glutamine.
Molecular consequence: missense variant.
Genome position (GRCh38, 1-based): chr1:67,255,841, A>C. VCF-style: chr1-67255841-A-C. GRCh37 (hg19) VCF-style: chr1-67721524-A-C.
Other names: short protein forms K385Q.
Identifiers: ClinVar variation 4807617 (VCV004807617.1).